The following is an entry in ClinVar:

NM_006947.4(SRP72):c.724A>G (p.Thr242Ala)

Gene: SRP72 (signal recognition particle 72; plus strand). Cytogenetic location: 4q12.
Variant type: single nucleotide variant.
Coding change: c.724A>G on transcript NM_006947.4 (MANE Select); coding-DNA position 724, A replaced by G.
Protein change: p.Thr242Ala; replaces threonine 242 with alanine.
Molecular consequence: missense variant. On other transcripts: non-coding transcript variant (1), intron variant (1).
Genome position (GRCh38, 1-based): chr4:56,478,460, A>G. VCF-style: chr4-56478460-A-G. GRCh37 (hg19) VCF-style: chr4-57344626-A-G.
Other names: c.724A>G (NM_006947.3); c.642+1758A>G (NM_001267722.2); short protein forms T242A.
Identifiers: ClinVar variation 3006517 (VCV003006517.4), dbSNP rs1383742004, ClinGen allele CA356997923.

ClinVar aggregate classification (germline): Uncertain significance. Review status: criteria provided, multiple submitters, no conflicts (2 of 4 stars). 2 submissions from 2 submitters: Uncertain significance (2). Last evaluated 2025-01-25.

Allele frequency attached by ClinVar (database versions not stated): gnomAD exomes below 0.00001.
gnomAD v4.1: 2 of 1,614,004 alleles (0.00012%); highest among the groups gnomAD compares: Admixed American, 0.0017%; no homozygotes.

Submissions (2):

Ambry Genetics
Classification: Uncertain significance. Last evaluated: 2025-01-25. Review status: criteria provided, single submitter. Criteria: Ambry Variant Classification Scheme 2023. Collection method: clinical testing. Allele origin: germline.
Comment: The p.T242A variant (also known as c.724A>G), located in coding exon 7 of the SRP72 gene, results from an A to G substitution at nucleotide position 724. The threonine at codon 242 is replaced by alanine, an amino acid with similar properties. This amino acid position is conserved. In addition, this alteration is predicted to be tolerated by in silico analysis. Based on the available evidence, the clinical significance of this variant remains unclear.

Labcorp Genetics (formerly Invitae), Labcorp
Classification: Uncertain significance. Last evaluated: 2023-11-13. Review status: criteria provided, single submitter. Criteria: Invitae Variant Classification Sherloc (09022015). Collection method: clinical testing. Allele origin: germline.
Comment: This sequence change replaces threonine, which is neutral and polar, with alanine, which is neutral and non-polar, at codon 242 of the SRP72 protein (p.Thr242Ala). This variant is present in population databases (no rsID available, gnomAD 0.003%). This variant has not been reported in the literature in individuals affected with SRP72-related conditions. Advanced modeling of protein sequence and biophysical properties (such as structural, functional, and spatial information, amino acid conservation, physicochemical variation, residue mobility, and thermodynamic stability) performed at Invitae indicates that this missense variant is not expected to disrupt SRP72 protein function with a negative predictive value of 80%. In summary, the available evidence is currently insufficient to determine the role of this variant in disease. Therefore, it has been classified as a Variant of Uncertain Significance.